The following is an entry in ClinVar:

ClinVar aggregate classification (germline): Uncertain significance (1 of 4 stars; one submission).

Conditions:
Neurodegeneration with brain iron accumulation 6 (NBIA6). Also called: COASY protein-associated neurodegeneration. Identifiers: Orphanet 397725, MedGen C4517377, MONDO:0014290, OMIM 615643.

Allele frequency attached by ClinVar (database versions not stated): ExAC 0.00003; gnomAD exomes 0.00003 and 0.00004; TOPMed 0.00004; gnomAD 0.00005 and 0.00006; ESP Exome Variant Server 0.00008.
gnomAD v4.1: 63 of 1,613,842 alleles (0.0039%); highest among the groups gnomAD compares: African/African-American, 0.0067%; no homozygotes.

Submission:

Labcorp Genetics (formerly Invitae), Labcorp
Classification: Uncertain significance for Neurodegeneration with brain iron accumulation 6. Last evaluated: 2021-11-15. Review status: criteria provided, single submitter. Criteria: Invitae Variant Classification Sherloc (09022015). Collection method: clinical testing. Allele origin: germline.
Comment: In summary, the available evidence is currently insufficient to determine the role of this variant in disease. Therefore, it has been classified as a Variant of Uncertain Significance. Algorithms developed to predict the effect of missense changes on protein structure and function output the following: SIFT: "Tolerated"; PolyPhen-2: "Benign"; Align-GVGD: "Class C15". The cysteine amino acid residue is found in multiple mammalian species, which suggests that this missense change does not adversely affect protein function. This variant has not been reported in the literature in individuals affected with COASY-related conditions. This variant is present in population databases (rs374017503, gnomAD 0.009%). This sequence change replaces tyrosine, which is neutral and polar, with cysteine, which is neutral and slightly polar, at codon 292 of the COASY protein (p.Tyr292Cys).

NM_025233.7(COASY):c.875A>G (p.Tyr292Cys)

Gene: COASY (Coenzyme A synthase; plus strand). Cytogenetic location: 17q21.2.
Variant type: single nucleotide variant.
Coding change: c.875A>G on transcript NM_025233.7 (MANE Select); coding-DNA position 875, A replaced by G.
Protein change: p.Tyr292Cys; replaces tyrosine 292 with cysteine.
Molecular consequence: missense variant.
Genome position (GRCh38, 1-based): chr17:42,564,135, A>G. VCF-style: chr17-42564135-A-G. GRCh37 (hg19) VCF-style: chr17-40716153-A-G.
Other names: c.875A>G, p.Tyr292Cys (NM_001042529.3); c.962A>G, p.Tyr321Cys (NM_001042532.4); short protein forms Y292C, Y321C.
Identifiers: ClinVar variation 1366381 (VCV001366381.4), dbSNP rs374017503, ClinGen allele CA8578081.